The following is an entry in ClinVar:

NM_000465.4(BARD1):c.1677+206T>C

Gene: BARD1 (BRCA1 associated RING domain 1; minus strand). Cytogenetic location: 2q35.
Variant type: single nucleotide variant.
Coding change: c.1677+206T>C on transcript NM_000465.4 (MANE Select); 206 bases into the intron after coding-DNA position 1677, T replaced by C.
Molecular consequence: intron variant.
Genome position (GRCh38, 1-based): chr2:214,752,241, A>G on the plus strand (T>C on the coding strand, the complement: BARD1 is on the minus strand). VCF-style: chr2-214752241-A-G. GRCh37 (hg19) VCF-style: chr2-215616965-A-G.
Other names: c.267+206T>C (NM_001282548.2); c.1620+206T>C (NM_001282543.2); c.324+206T>C (NM_001282545.2); c.365-21733T>C (NM_001282549.2).
Identifiers: ClinVar variation 670618 (VCV000670618.1), dbSNP rs115828789, ClinGen allele CA64806766.

ClinVar aggregate classification (germline): Likely benign (1 of 4 stars; one submission).

Allele frequency attached by ClinVar (database versions not stated): gnomAD 0.00399 and 0.00430; TOPMed 0.00495; 1000 Genomes Project 0.00499; 1000 Genomes Project 30x 0.00500.
gnomAD v4.1: 605 of 152,328 alleles (0.4%); highest among the groups gnomAD compares: African/African-American, 1.3%; 1 homozygote.

Submission:

GeneDx
Classification: Likely benign. Last evaluated: 2018-06-12. Review status: criteria provided, single submitter. Criteria: GeneDx Variant Classification (06012015). Collection method: clinical testing. Allele origin: germline. Affected: yes.
Comment: This variant is considered likely benign or benign based on one or more of the following criteria: it is a conservative change, it occurs at a poorly conserved position in the protein, it is predicted to be benign by multiple in silico algorithms, and/or has population frequency not consistent with disease.